The following is an entry in ClinVar:

NM_001876.4(CPT1A):c.142-16G>A

Gene: CPT1A (carnitine palmitoyltransferase 1A; minus strand). Cytogenetic location: 11q13.3.
Variant type: single nucleotide variant.
Coding change: c.142-16G>A on transcript NM_001876.4 (MANE Select); 16 bases into the intron before coding-DNA position 142, G replaced by A.
Molecular consequence: intron variant.
Genome position (GRCh38, 1-based): chr11:68,812,592, C>T on the plus strand (G>A on the coding strand, the complement: CPT1A is on the minus strand). VCF-style: chr11-68812592-C-T. GRCh37 (hg19) VCF-style: chr11-68580060-C-T.
Other names: c.142-16G>A (NM_001031847.3).
Identifiers: ClinVar variation 387499 (VCV000387499.10), dbSNP rs201717907, ClinGen allele CA6152769.

ClinVar aggregate classification (germline): Conflicting classifications of pathogenicity. Review status: criteria provided, conflicting classifications (1 of 4 stars). 3 submissions from 3 submitters: Uncertain significance (1); Benign (1); Likely benign (1). Last evaluated 2026-01-28.

Conditions:
Carnitine palmitoyl transferase 1A deficiency. Also called: Carnitine palmitoyltransferase type I deficiency; CPT I DEFICIENCY; CPT DEFICIENCY, HEPATIC, TYPE I; Carnitine palmitoyltransferase 1A deficiency; CPT deficiency, hepatic, type IA. Identifiers: Orphanet 156, MedGen C1829703, MONDO:0009705, OMIM 255120.

Allele frequency attached by ClinVar (database versions not stated): gnomAD 0.00027 and 0.00036; TOPMed 0.00050; 1000 Genomes Project 30x 0.00078; 1000 Genomes Project 0.00080; ExAC 0.00086.
gnomAD v4.1: 428 of 1,613,958 alleles (0.027%); highest among the groups gnomAD compares: East Asian, 0.72%; 1 homozygote.

Submissions (3):

Labcorp Genetics (formerly Invitae), Labcorp
Classification: Benign for Carnitine palmitoyl transferase 1A deficiency. Last evaluated: 2026-01-28. Review status: criteria provided, single submitter. Criteria: Invitae Variant Classification Sherloc (09022015). Collection method: clinical testing. Allele origin: germline.

Blueprint Genetics
Classification: Uncertain significance. Last evaluated: 2024-10-14. Review status: criteria provided, single submitter. Criteria: ACMG Guidelines, 2015. Collection method: clinical testing. Allele origin: germline.

GeneDx
Classification: Likely benign. Last evaluated: 2016-10-13. Review status: criteria provided, single submitter. Criteria: GeneDx Variant Classification (06012015). Collection method: clinical testing. Allele origin: germline. Affected: yes.
Comment: This variant is considered likely benign or benign based on one or more of the following criteria: it is a conservative change, it occurs at a poorly conserved position in the protein, it is predicted to be benign by multiple in silico algorithms, and/or has population frequency not consistent with disease.